The following is an entry in ClinVar:

ClinVar aggregate classification (germline): Benign/Likely benign. Review status: criteria provided, multiple submitters, no conflicts (2 of 4 stars). 17 submissions from 16 submitters: Benign (12); Likely benign (2). 3 of the submissions do not count toward it. Last evaluated 2026-02-04.

Conditions:
Myopathy, centronuclear, 2 (CNM2). Also called: MYOTUBULAR MYOPATHY, AUTOSOMAL RECESSIVE. Identifiers: Orphanet 169186, MedGen CN031787, MONDO:0009709, OMIM 255200.
Autosomal recessive limb-girdle muscular dystrophy type 2A (LGMDR1). Also called: Calpainopathy; LEYDEN-MOEBIUS MUSCULAR DYSTROPHY; MUSCULAR DYSTROPHY, PELVOFEMORAL; Limb-girdle muscular dystrophy, type 2A; Muscular dystrophy, limb-girdle, type 2A, Amish. Identifiers: Orphanet 267, MedGen C1869123, MONDO:0009675, OMIM 253600. Disease mechanism: loss of function.
Muscular dystrophy, limb-girdle, autosomal dominant 4. Also called: Calpain-3-related limb-girdle muscular dystrophy D4; MUSCULAR DYSTROPHY, LIMB-GIRDLE, TYPE 1I. Identifiers: Orphanet 565909, MedGen C4748295, MONDO:0029133, OMIM 618129.

Allele frequency attached by ClinVar (database versions not stated): gnomAD exomes 0.08592 and 0.09105; ExAC 0.09319; TOPMed 0.09329; 1000 Genomes Project 0.09425; gnomAD 0.09551 and 0.09748; 1000 Genomes Project 30x 0.09635; ESP Exome Variant Server 0.10028.
gnomAD v4.1: 140,821 of 1,614,140 alleles (8.7%); highest among the groups gnomAD compares: South Asian, 20%; 7,349 homozygotes.

Submissions (17):

Labcorp Genetics (formerly Invitae), Labcorp
Classification: Benign for Autosomal recessive limb-girdle muscular dystrophy type 2A. Last evaluated: 2026-02-04. Review status: criteria provided, single submitter. Criteria: Invitae Variant Classification Sherloc (09022015). Collection method: clinical testing. Allele origin: germline.

Genomic Medicine Center of Excellence, King Faisal Specialist Hospital and Research Centre
Classification: Likely benign for Myopathy, centronuclear, 2. Last evaluated: 2025-07-30. Review status: criteria provided, single submitter. Criteria: ACMG Guidelines, 2015. Collection method: clinical testing. Allele origin: germline.

Blueprint Genetics
Classification: Benign. Last evaluated: 2024-11-27. Review status: criteria provided, single submitter. Criteria: ACMG Guidelines, 2015. Collection method: clinical testing. Allele origin: germline.

Genome-Nilou Lab
Classification: Benign for Muscular dystrophy, limb-girdle, autosomal dominant 4. Last evaluated: 2021-07-01. Review status: criteria provided, single submitter. Criteria: ACMG Guidelines, 2015. Collection method: clinical testing. Allele origin: germline. Affected: no.

Genome-Nilou Lab
Classification: Benign for Autosomal recessive limb-girdle muscular dystrophy type 2A. Last evaluated: 2021-07-01. Review status: criteria provided, single submitter. Criteria: ACMG Guidelines, 2015. Collection method: clinical testing. Allele origin: germline. Affected: no.

Illumina Laboratory Services, Illumina
Classification: Benign for Limb-girdle muscular dystrophy, type 2A. Last evaluated: 2018-01-13. Review status: criteria provided, single submitter. Criteria: ICSL Variant Classification Criteria 13 December 2019. Collection method: clinical testing. Allele origin: germline.
Comment: This variant was observed in the ICSL laboratory as part of a predisposition screen in an ostensibly healthy population. It had not been previously curated by ICSL or reported in the Human Gene Mutation Database (HGMD: prior to June 1st, 2018), and was therefore a candidate for classification through an automated scoring system. Utilizing variant allele frequency, disease prevalence and penetrance estimates, and inheritance mode, an automated score was calculated to assess if this variant is too frequent to cause the disease. Based on the score and internal cut-off values, a variant classified as benign is not then subjected to further curation. The score for this variant resulted in a classification of benign for this disease.

Mayo Clinic Laboratories, Mayo Clinic
Classification: Benign. Last evaluated: 2017-08-21. Review status: criteria provided, single submitter. Criteria: ACMG Guidelines, 2015. Collection method: clinical testing. Allele origin: germline. Observed: 129 variant alleles.

Athena Diagnostics
Classification: Benign. Last evaluated: 2017-04-28. Review status: criteria provided, single submitter. Criteria: Athena Diagnostics Criteria. Collection method: clinical testing. Allele origin: germline.

Eurofins Ntd Llc (ga)
Classification: Benign. Last evaluated: 2016-11-01. Review status: criteria provided, single submitter. Criteria: EGL Classification Definitions 2015. Collection method: clinical testing. Allele origin: germline. Observed: 19 variant alleles, 17 heterozygotes, 2 homozygotes.

GeneDx
Classification: Benign. Last evaluated: 2016-01-07. Review status: criteria provided, single submitter. Criteria: GeneDx Variant Classification (06012015). Collection method: clinical testing. Allele origin: germline. Affected: yes.
Comment: This variant is considered likely benign or benign based on one or more of the following criteria: it is a conservative change, it occurs at a poorly conserved position in the protein, it is predicted to be benign by multiple in silico algorithms, and/or has population frequency not consistent with disease.

Laboratory for Molecular Medicine, Mass General Brigham Personalized Medicine
Classification: Benign. Last evaluated: 2015-01-13. Review status: criteria provided, single submitter. Criteria: LMM Criteria. Collection method: clinical testing. Allele origin: germline. Observed: 1 variant allele.
Comment: p.Thr32Thr in exon 1 of CAPN3: This variant is not expected to have clinical sig nificance because it does not alter an amino acid residue and is not located wit hin the splice consensus sequence. It has been identified in 13.9% (611/4406) of African American chromosomes from a broad population by the NHLBI Exome Sequenc ing Project (dbSNP rs1801496).

Genetic Services Laboratory, University of Chicago
Classification: Benign for AllHighlyPenetrant. Last evaluated: 2013-08-15. Review status: criteria provided, single submitter. Criteria: ACMG Guidelines, 2007. Collection method: clinical testing. Allele origin: germline. Inheritance: Autosomal recessive inheritance.

Breakthrough Genomics
Classification: Likely benign. Review status: criteria provided, single submitter. Criteria: ACMG Guidelines, 2015. Collection method: not provided. Allele origin: germline. Inheritance: Autosomal recessive inheritance. Affected: yes.

PreventionGenetics, part of Exact Sciences
Classification: Benign. Review status: criteria provided, single submitter. Criteria: ACMG Guidelines, 2015. Collection method: clinical testing. Allele origin: germline.

Natera, Inc.
Classification: Benign for Limb-girdle muscular dystrophy type 2A. Last evaluated: 2020-09-16. Review status: no assertion criteria provided. Collection method: clinical testing. Allele origin: germline. Not counted in ClinVar's aggregate classification.

Clinical Genetics, Academic Medical Center
Classification: Benign. Review status: no assertion criteria provided. Collection method: clinical testing. Allele origin: germline. Affected: yes. Study: VKGL Data-share Consensus. Not counted in ClinVar's aggregate classification.

Genome Diagnostics Laboratory, University Medical Center Utrecht
Classification: Benign. Review status: no assertion criteria provided. Collection method: clinical testing. Allele origin: germline. Affected: yes. Study: VKGL Data-share Consensus. Not counted in ClinVar's aggregate classification.

NM_000070.3(CAPN3):c.96T>C (p.Thr32=)

Gene: CAPN3 (calpain 3; plus strand). Cytogenetic location: 15q15.1.
Variant type: single nucleotide variant.
Coding change: c.96T>C on transcript NM_000070.3 (MANE Select); coding-DNA position 96, T replaced by C.
Protein change: p.Thr32=; no amino-acid change (threonine 32 retained).
Molecular consequence: synonymous variant.
Genome position (GRCh38, 1-based): chr15:42,359,901, T>C. VCF-style: chr15-42359901-T-C. GRCh37 (hg19) VCF-style: chr15-42652099-T-C.
Other names: p.Thr32Thr; p.Thr32=; c.96T>C, p.Thr32= (NM_024344.2, NM_173087.2).
Identifiers: ClinVar variation 92422 (VCV000092422.35), dbSNP rs1801496, ClinGen allele CA145728.